The following is an entry in ClinVar:

ClinVar aggregate classification (germline): Uncertain significance (1 of 4 stars; one submission).

Conditions:
Hereditary cancer-predisposing syndrome. Also called: Tumor predisposition; Hereditary neoplastic syndrome; Hereditary Cancer Syndrome; Neoplastic Syndromes, Hereditary. Identifiers: Orphanet 140162, MedGen C0027672, MeSH D009386, MONDO:0015356.

gnomAD v4.1: 1 of 1,613,704 alleles (0.000062%); highest among the groups gnomAD compares: Admixed American, 0.0017%; no homozygotes.

Submission:

Ambry Genetics
Classification: Uncertain significance for Hereditary cancer-predisposing syndrome. Last evaluated: 2025-06-04. Review status: criteria provided, single submitter. Criteria: Ambry Variant Classification Scheme 2023. Collection method: clinical testing. Allele origin: germline.
Comment: The p.F744C variant (also known as c.2231T>G), located in coding exon 12 of the RET gene, results from a T to G substitution at nucleotide position 2231. The phenylalanine at codon 744 is replaced by cysteine, an amino acid with highly dissimilar properties. This amino acid position is conserved. In addition, this alteration is predicted to be deleterious by in silico analysis. Based on the available evidence, the clinical significance of this variant remains unclear.

NM_020975.6(RET):c.2231T>G (p.Phe744Cys)

Gene: RET (ret proto-oncogene; plus strand). Cytogenetic location: 10q11.21.
Variant type: single nucleotide variant.
Coding change: c.2231T>G on transcript NM_020975.6 (MANE Select); coding-DNA position 2231, T replaced by G.
Protein change: p.Phe744Cys; replaces phenylalanine 744 with cysteine.
Molecular consequence: missense variant.
Genome position (GRCh38, 1-based): chr10:43,116,678, T>G. VCF-style: chr10-43116678-T-G. GRCh37 (hg19) VCF-style: chr10-43612126-T-G.
Other names: c.1046T>G, p.Phe349Cys (NM_001406790.1, NM_001406788.1, NM_001406789.1); c.926T>G, p.Phe309Cys (NM_001406791.1); c.782T>G, p.Phe261Cys (NM_001406792.1, NM_001406793.1, NM_001406794.1); c.1469T>G, p.Phe490Cys (NM_001355216.2); c.2231T>G, p.Phe744Cys (NM_001406743.1, NM_001406744.1, NM_001406759.1 and 2 more transcripts); c.2102T>G, p.Phe701Cys (NM_001406761.1, NM_001406762.1, NM_001406764.1); c.2096T>G, p.Phe699Cys (NM_001406763.1, NM_001406765.1); c.1706T>G, p.Phe569Cys (NM_001406774.1); and 10 more; short protein forms F261C, F309C, F405C, F445C, F502C, F612C, F414C, F569C.
Identifiers: ClinVar variation 3944717 (VCV003944717.1).